The following is an entry in ClinVar:

NM_000169.3(GLA):c.504A>C (p.Lys168Asn)

Genes: GLA (galactosidase alpha; minus strand), RPL36A-HNRNPH2 (RPL36A-HNRNPH2 readthrough; plus strand). Cytogenetic location: Xq22.1.
Variant type: single nucleotide variant.
Coding change: c.504A>C on transcript NM_000169.3 (MANE Select); coding-DNA position 504, A replaced by C.
Protein change: p.Lys168Asn; replaces lysine 168 with asparagine.
Molecular consequence: missense variant. On other transcripts: non-coding transcript variant (3), intron variant (2).
Genome position (GRCh38, 1-based): chrX:101,401,675, T>G on the plus strand (A>C on the coding strand, the complement: GLA is on the minus strand). VCF-style: chrX-101401675-T-G. GRCh37 (hg19) VCF-style: chrX-100656663-T-G.
Other names: c.627A>C, p.Lys209Asn (NM_001406749.1, NM_001406747.1); c.300+6218T>G (NM_001199973.2); c.177+9853T>G (NM_001199974.2); c.504A>C, p.Lys168Asn (NM_001406748.1); short protein forms K168N, K209N.
Identifiers: ClinVar variation 1344883 (VCV001344883.3), dbSNP rs2147477422, ClinGen allele CA413928983.

ClinVar aggregate classification (germline): Pathogenic. Review status: criteria provided, single submitter (1 of 4 stars). 2 submissions from 2 submitters: Pathogenic (1). 1 of the submissions does not count toward it. Last evaluated 2026-09-08.

Conditions:
Fabry disease. Also called: Fabry's disease; GLA DEFICIENCY; HEREDITARY DYSTOPIC LIPIDOSIS; Angiokeratoma corporis diffusum; ALPHA-GALACTOSIDASE A DEFICIENCY; ANDERSON-FABRY DISEASE. Identifiers: Orphanet 324, MedGen C0002986, MONDO:0010526, OMIM 301500, HP:0001071. Disease mechanism: Fabry disease is due to inactivating mutations in the X-linked GLA gene resulting in deficiency of the enzyme Alpha Galactosidase-A., loss of function.
Nephrotic syndrome. Identifiers: MedGen C0027726, MONDO:0005377, HP:0000100.

Submissions (2):

Genomenon, Inc
Classification: Pathogenic for Fabry disease. Last evaluated: 2026-09-08. Review status: criteria provided, single submitter. Criteria: Genomenon Sequence Variant Interpretation Standards - Updated. Collection method: curation. Allele origin: germline. Affected: yes.
Comment: GLA p.Lys168Asn (c.504A>C) is a missense variant that changes the amino acid at codon 168 from Lysine to Asparagine. This variant has been observed in at least one proband with clinical features consistent with Fabry disease (PMID:29127259;32442237). At least one functional study has demonstrated a substantial alteration in protein function relative to the wild-type (PMID:27657681). This variant is located in a mutational hotspot and/or important functional domain. It is absent or not present at a significant frequency in gnomAD. In silico models predict that this variant is possibly or probably damaging. In conclusion, we classify GLA p.Lys168Asn (c.504A>C) as a pathogenic variant.

Yale Center for Mendelian Genomics, Yale University
Classification: Likely pathogenic for Nephrotic syndrome. Last evaluated: 2017-11-10. Review status: no assertion criteria provided. Collection method: literature only. Allele origin: germline. Affected: yes. Observed: 1 hemizygote. Study: Yale Center for Mendelian Genomics. Not counted in ClinVar's aggregate classification.

Literature cited by the submitters: PubMed 29127259 (cited by Genomenon, Inc and Yale Center for Mendelian Genomics, Yale University); PubMed 32442237 (cited by Genomenon, Inc); PubMed 27657681 (cited by Genomenon, Inc).